The following is an entry in ClinVar:

NM_000254.3(MTR):c.2014G>A (p.Glu672Lys)

Gene: MTR (5-methyltetrahydrofolate-homocysteine methyltransferase; plus strand). Cytogenetic location: 1q43.
Variant type: single nucleotide variant.
Coding change: c.2014G>A on transcript NM_000254.3 (MANE Select); coding-DNA position 2014, G replaced by A.
Protein change: p.Glu672Lys; replaces glutamic acid 672 with lysine.
Molecular consequence: missense variant.
Genome position (GRCh38, 1-based): chr1:236,859,893, G>A. VCF-style: chr1-236859893-G-A. GRCh37 (hg19) VCF-style: chr1-237023193-G-A.
Other names: c.2014G>A, p.Glu672Lys (NM_001291939.1); c.793G>A, p.Glu265Lys (NM_001291940.2); short protein forms E672K, E265K.
Identifiers: ClinVar variation 431870 (VCV000431870.13), dbSNP rs142774813, ClinGen allele CA1474243.
Genomic context (GRCh38, chr1:236,859,893, plus strand): 5'-ACTCAAGGCACAGGAGGGAAGAAAGTCATTCAGACTGATGAGTGGAGAAATGGCCCTGTC[G>A]AAGAACGCCTTGAGTATGCCCTTGTGAAGGTAAGTTACAGGGGCCTGAACTGGAGGGCTG-3'
Protein context (NP_000245.2, residues 662-682): QTDEWRNGPV[Glu672Lys]ERLEYALVKG

ClinVar aggregate classification (germline): Uncertain significance. Review status: criteria provided, multiple submitters, no conflicts (2 of 4 stars). 3 submissions from 3 submitters: Uncertain significance (3). Last evaluated 2022-09-01.

Conditions:
Disorders of Intracellular Cobalamin Metabolism. Identifiers: MedGen CN043592.
Methylcobalamin deficiency type cblG (HMAG). Also called: HOMOCYSTINURIA-MEGALOBLASTIC ANEMIA, cblG COMPLEMENTATION TYPE; HOMOCYSTINURIA-MEGALOBLASTIC ANEMIA, cblG TYPE; HOMOCYSTINURIA-MEGALOBLASTIC ANEMIA DUE TO DEFECT IN COBALAMIN METABOLISM, cblG COMPLEMENTATION TYPE; Functional methionine synthase deficiency type cblG. Identifiers: Orphanet 2170, Orphanet 622, MedGen C1855128, MONDO:0009609, OMIM 250940.

Allele frequency attached by ClinVar (database versions not stated): ExAC 0.00017; 1000 Genomes Project 0.00020; gnomAD exomes 0.00020; TOPMed 0.00023; gnomAD 0.00025; 1000 Genomes Project 30x 0.00031; ESP Exome Variant Server 0.00031.

Submissions (3):

Labcorp Genetics (formerly Invitae), Labcorp
Classification: Uncertain significance for Methylcobalamin deficiency type cblG. Last evaluated: 2022-09-01. Review status: criteria provided, single submitter. Criteria: Invitae Variant Classification Sherloc (09022015). Collection method: clinical testing. Allele origin: germline.
Comment: This sequence change replaces glutamic acid, which is acidic and polar, with lysine, which is basic and polar, at codon 672 of the MTR protein (p.Glu672Lys). This variant is present in population databases (rs142774813, gnomAD 0.04%). This variant has not been reported in the literature in individuals affected with MTR-related conditions. ClinVar contains an entry for this variant (Variation ID: 431870). Algorithms developed to predict the effect of missense changes on protein structure and function are either unavailable or do not agree on the potential impact of this missense change (SIFT: "Deleterious"; PolyPhen-2: "Probably Damaging"; Align-GVGD: "Class C0"). In summary, the available evidence is currently insufficient to determine the role of this variant in disease. Therefore, it has been classified as a Variant of Uncertain Significance.

GeneDx
Classification: Uncertain significance. Last evaluated: 2020-03-20. Review status: criteria provided, single submitter. Criteria: GeneDx Variant Classification Process June 2021. Collection method: clinical testing. Allele origin: germline. Affected: yes.
Comment: In silico analysis supports that this missense variant has a deleterious effect on protein structure/function; Has not been previously published as pathogenic or benign to our knowledge

Illumina Laboratory Services, Illumina
Classification: Uncertain significance for Disorders of Intracellular Cobalamin Metabolism. Last evaluated: 2018-01-12. Review status: criteria provided, single submitter. Criteria: ICSL Variant Classification Criteria 13 December 2019. Collection method: clinical testing. Allele origin: germline.